The following is an entry in ClinVar:

NM_001009944.3(PKD1):c.7634C>T (p.Pro2545Leu)

Gene: PKD1 (polycystin 1, transient receptor potential channel interacting; minus strand). Cytogenetic location: 16p13.3.
Variant type: single nucleotide variant.
Coding change: c.7634C>T on transcript NM_001009944.3 (MANE Select); coding-DNA position 7634, C replaced by T.
Protein change: p.Pro2545Leu; replaces proline 2545 with leucine.
Molecular consequence: missense variant.
Genome position (GRCh38, 1-based): chr16:2,106,160, G>A on the plus strand (C>T on the coding strand, the complement: PKD1 is on the minus strand). VCF-style: chr16-2106160-G-A. GRCh37 (hg19) VCF-style: chr16-2156161-G-A.
Other names: c.7634C>T, p.Pro2545Leu (NM_000296.4); short protein forms P2545L.
Identifiers: ClinVar variation 1703949 (VCV001703949.3), dbSNP rs2544777607, ClinGen allele CA394368431.
Genomic context (GRCh38, chr16:2,106,160, plus strand): 5'-GCGACCACAGCGGCTCCCAGCTGGTCCTGCACCACCACGGCCAGGCCCACCTCGAAGTGT[G>A]GCCTGAAACCCGGGGGCAGCACGGCTCCGTAGCTGGAGAGGCTGCCCTTGTAGACACAGA-3'
Protein context (NP_001009944.3, residues 2535-2555): YGAVLPPGFR[Pro2545Leu]HFEVGLAVVV

ClinVar aggregate classification (germline): Uncertain significance (1 of 4 stars; one submission).

gnomAD v4.1: 1 of 1,608,574 alleles (0.000062%); highest among the groups gnomAD compares: Non-Finnish European, 0.000085%; no homozygotes.

Submission:

GeneDx
Classification: Uncertain significance. Last evaluated: 2022-09-27. Review status: criteria provided, single submitter. Criteria: GeneDx Variant Classification Process June 2021. Collection method: clinical testing. Allele origin: germline. Affected: yes.
Comment: Not observed at significant frequency in large population cohorts (gnomAD); In silico analysis supports that this missense variant does not alter protein structure/function; Has not been previously published as pathogenic or benign to our knowledge